The following is an entry in ClinVar:

NM_153460.4(IL17RC):c.938G>A (p.Ser313Asn)

Gene: IL17RC (interleukin 17 receptor C; plus strand). Cytogenetic location: 3p25.3.
Variant type: single nucleotide variant.
Coding change: c.938G>A on transcript NM_153460.4 (MANE Select); coding-DNA position 938, G replaced by A.
Protein change: p.Ser313Asn; replaces serine 313 with asparagine.
Molecular consequence: missense variant. On other transcripts: non-coding transcript variant (1).
Genome position (GRCh38, 1-based): chr3:9,928,365, G>A. VCF-style: chr3-9928365-G-A. GRCh37 (hg19) VCF-style: chr3-9970049-G-A.
Other names: c.893G>A, p.Ser298Asn (NM_001410711.1, NM_032732.6, NM_001203265.2 and 1 more transcripts); c.1151G>A, p.Ser384Asn (NM_153461.4); c.938G>A, p.Ser313Asn (NM_001203264.2, NM_001203263.2); c.899G>A, p.Ser300Asn (NM_001367278.1); c.818G>A, p.Ser273Asn (NM_001367279.1); short protein forms S313N, S300N, S273N, S298N, S384N.
Identifiers: ClinVar variation 4773222 (VCV004773222.1).

ClinVar aggregate classification (germline): Uncertain significance (1 of 4 stars; one submission).

Conditions:
Candidiasis, familial, 9 (CANDF9). Identifiers: Orphanet 1334, MedGen C4225324, MONDO:0014642, OMIM 616445.

gnomAD v4.1: 28 of 1,605,776 alleles (0.0017%); highest among the groups gnomAD compares: East Asian, 0.063%; no homozygotes.

Submission:

Labcorp Genetics (formerly Invitae), Labcorp
Classification: Uncertain significance for Candidiasis, familial, 9. Last evaluated: 2026-01-12. Review status: criteria provided, single submitter. Criteria: Invitae Variant Classification Sherloc (09022015). Collection method: clinical testing. Allele origin: germline.
Comment: This sequence change replaces serine, which is neutral and polar, with asparagine, which is neutral and polar, at codon 384 of the IL17RC protein (p.Ser384Asn). This variant is present in population databases (rs202092337, gnomAD 0.04%). This variant has not been reported in the literature in individuals affected with IL17RC-related conditions. An algorithm developed to predict the effect of missense changes on protein structure and function (PolyPhen-2) suggests that this variant is likely to be tolerated. In summary, the available evidence is currently insufficient to determine the role of this variant in disease. Therefore, it has been classified as a Variant of Uncertain Significance.